The following is an entry in ClinVar:

ClinVar aggregate classification (germline): Uncertain significance (1 of 4 stars; one submission).

Allele frequency attached by ClinVar (database versions not stated): gnomAD exomes below 0.00001.

Submission:

Labcorp Genetics (formerly Invitae), Labcorp
Classification: Uncertain significance. Last evaluated: 2023-06-07. Review status: criteria provided, single submitter. Criteria: Invitae Variant Classification Sherloc (09022015). Collection method: clinical testing. Allele origin: germline.
Comment: This sequence change replaces aspartic acid, which is acidic and polar, with tyrosine, which is neutral and polar, at codon 319 of the SAMD9 protein (p.Asp319Tyr). Advanced modeling of protein sequence and biophysical properties (such as structural, functional, and spatial information, amino acid conservation, physicochemical variation, residue mobility, and thermodynamic stability) performed at Invitae indicates that this missense variant is not expected to disrupt SAMD9 protein function. In summary, the available evidence is currently insufficient to determine the role of this variant in disease. Therefore, it has been classified as a Variant of Uncertain Significance. This variant is not present in population databases (gnomAD no frequency). This variant has not been reported in the literature in individuals affected with SAMD9-related conditions.

NM_017654.4(SAMD9):c.955G>T (p.Asp319Tyr)

Gene: SAMD9 (sterile alpha motif domain containing 9; minus strand). Cytogenetic location: 7q21.2.
Variant type: single nucleotide variant.
Coding change: c.955G>T on transcript NM_017654.4 (MANE Select); coding-DNA position 955, G replaced by T.
Protein change: p.Asp319Tyr; replaces aspartic acid 319 with tyrosine.
Molecular consequence: missense variant.
Genome position (GRCh38, 1-based): chr7:93,105,143, C>A on the plus strand (G>T on the coding strand, the complement: SAMD9 is on the minus strand). VCF-style: chr7-93105143-C-A. GRCh37 (hg19) VCF-style: chr7-92734456-C-A.
Other names: c.955G>T, p.Asp319Tyr (NM_001193307.2); short protein forms D319Y.
Identifiers: ClinVar variation 2781747 (VCV002781747.3), dbSNP rs1404457838, ClinGen allele CA368203096.
Genomic context (GRCh38, chr7:93,105,143, plus strand): 5'-ATTTTTTACTTTGTTCCCATATTTTGTTGTTGTAATTTTGCATTTTAATCTGGAAATAAT[C>A]ATATTGGCATTCAGAGAACTGTGGAATAATGTCCACTTCAATAACAAATCTGTCAGATAG-3'
Protein context (NP_060124.2, residues 309-329): IIPQFSECQY[Asp319Tyr]YFQIKMQNYN